The following is an entry in ClinVar:

NM_014236.4(GNPAT):c.696+2T>C

Gene: GNPAT (glyceronephosphate O-acyltransferase; plus strand). Cytogenetic location: 1q42.2.
Variant type: single nucleotide variant.
Coding change: c.696+2T>C on transcript NM_014236.4 (MANE Select); the canonical splice donor site of the intron after coding-DNA position 696, T replaced by C.
Molecular consequence: splice donor variant.
Genome position (GRCh38, 1-based): chr1:231,265,422, T>C. VCF-style: chr1-231265422-T-C. GRCh37 (hg19) VCF-style: chr1-231401168-T-C.
Other names: c.513+2T>C (NM_001316350.2).
Identifiers: ClinVar variation 2854145 (VCV002854145.3), dbSNP rs2527022409, ClinGen allele CA345233507.

ClinVar aggregate classification (germline): Likely pathogenic (1 of 4 stars; one submission).

Submission:

Labcorp Genetics (formerly Invitae), Labcorp
Classification: Likely pathogenic. Last evaluated: 2023-04-16. Review status: criteria provided, single submitter. Criteria: Invitae Variant Classification Sherloc (09022015). Collection method: clinical testing. Allele origin: germline.
Comment: In summary, the currently available evidence indicates that the variant is pathogenic, but additional data are needed to prove that conclusively. Therefore, this variant has been classified as Likely Pathogenic. This sequence change affects a donor splice site in intron 5 of the GNPAT gene. It is expected to disrupt RNA splicing. Variants that disrupt the donor or acceptor splice site typically lead to a loss of protein function (PMID: 16199547), and loss-of-function variants in GNPAT are known to be pathogenic (PMID: 9536089, 21990100). This variant is not present in population databases (gnomAD no frequency). This variant has not been reported in the literature in individuals affected with GNPAT-related conditions. Algorithms developed to predict the effect of sequence changes on RNA splicing suggest that this variant may disrupt the consensus splice site.

Literature cited by the submitters: PubMed 16199547; PubMed 9536089; PubMed 21990100.